The following is an entry in ClinVar:

NM_024685.4(BBS10):c.1566G>A (p.Thr522=)

Gene: BBS10 (Bardet-Biedl syndrome 10; minus strand). Cytogenetic location: 12q21.2.
Variant type: single nucleotide variant.
Coding change: c.1566G>A on transcript NM_024685.4 (MANE Select); coding-DNA position 1566, G replaced by A.
Protein change: p.Thr522=; no amino-acid change (threonine 522 retained).
Molecular consequence: synonymous variant.
Genome position (GRCh38, 1-based): chr12:76,346,419, C>T on the plus strand (G>A on the coding strand, the complement: BBS10 is on the minus strand). VCF-style: chr12-76346419-C-T. GRCh37 (hg19) VCF-style: chr12-76740199-C-T.
Identifiers: ClinVar variation 763940 (VCV000763940.11), dbSNP rs1200334802, ClinGen allele CA481010830.

ClinVar aggregate classification (germline): Likely benign. Review status: criteria provided, single submitter (1 of 4 stars). 2 submissions from 2 submitters: Likely benign (1). 1 of the submissions does not count toward it. Last evaluated 2024-07-26.

Conditions:
BBS10-related disorder. Also called: BBS10-related condition.
Bardet-Biedl syndrome (BBS). Identifiers: Orphanet 110, MedGen C0752166, MONDO:0015229.

Allele frequency attached by ClinVar (database versions not stated): gnomAD exomes below 0.00001.
gnomAD v4.1: 1 of 1,614,086 alleles (0.000062%); highest among the groups gnomAD compares: South Asian, 0.0011%; no homozygotes.

Submissions (2):

Labcorp Genetics (formerly Invitae), Labcorp
Classification: Likely benign for Bardet-Biedl syndrome. Last evaluated: 2024-07-26. Review status: criteria provided, single submitter. Criteria: Invitae Variant Classification Sherloc (09022015). Collection method: clinical testing. Allele origin: germline.

PreventionGenetics, part of Exact Sciences
Classification: Likely benign for BBS10-related condition. Last evaluated: 2023-04-17. Review status: no assertion criteria provided. Collection method: clinical testing. Allele origin: germline. Not counted in ClinVar's aggregate classification.
Comment: This variant is classified as likely benign based on ACMG/AMP sequence variant interpretation guidelines (Richards et al. 2015 PMID: 25741868, with internal and published modifications).